The following is an entry in ClinVar:

ClinVar aggregate classification (germline): Uncertain significance (1 of 4 stars; one submission).

Submission:

Labcorp Genetics (formerly Invitae), Labcorp
Classification: Uncertain significance. Last evaluated: 2024-05-13. Review status: criteria provided, single submitter. Criteria: Invitae Variant Classification Sherloc (09022015). Collection method: clinical testing. Allele origin: germline.
Comment: This sequence change replaces threonine, which is neutral and polar, with serine, which is neutral and polar, at codon 385 of the ERCC2 protein (p.Thr385Ser). This variant is not present in population databases (gnomAD no frequency). This variant has not been reported in the literature in individuals affected with ERCC2-related conditions. ClinVar contains an entry for this variant (Variation ID: 1954837). Advanced modeling of protein sequence and biophysical properties (such as structural, functional, and spatial information, amino acid conservation, physicochemical variation, residue mobility, and thermodynamic stability) performed at Invitae indicates that this missense variant is not expected to disrupt ERCC2 protein function with a negative predictive value of 80%. In summary, the available evidence is currently insufficient to determine the role of this variant in disease. Therefore, it has been classified as a Variant of Uncertain Significance.

NM_000400.4(ERCC2):c.1154C>G (p.Thr385Ser)

Gene: ERCC2 (ERCC excision repair 2, TFIIH core complex helicase subunit; minus strand). Cytogenetic location: 19q13.32.
Variant type: single nucleotide variant.
Coding change: c.1154C>G on transcript NM_000400.4 (MANE Select); coding-DNA position 1154, C replaced by G.
Protein change: p.Thr385Ser; replaces threonine 385 with serine.
Molecular consequence: missense variant.
Genome position (GRCh38, 1-based): chr19:45,361,607, G>C on the plus strand (C>G on the coding strand, the complement: ERCC2 is on the minus strand). VCF-style: chr19-45361607-G-C. GRCh37 (hg19) VCF-style: chr19-45864865-G-C.
Other names: c.1082C>G, p.Thr361Ser (NM_001130867.2); short protein forms T385S, T361S.
Identifiers: ClinVar variation 1954837 (VCV001954837.4), dbSNP rs2514023461, ClinGen allele CA406370060.